The following is an entry in ClinVar:

ClinVar aggregate classification (germline): Uncertain significance (1 of 4 stars; one submission).

Conditions:
Developmental and epileptic encephalopathy, 21 (DEE21). Also called: Early infantile epileptic encephalopathy 21. Identifiers: Orphanet 442835, MedGen C4014430, MONDO:0014360, OMIM 615833.

Submission:

Labcorp Genetics (formerly Invitae), Labcorp
Classification: Uncertain significance for Developmental and epileptic encephalopathy, 21. Last evaluated: 2022-07-28. Review status: criteria provided, single submitter. Criteria: Invitae Variant Classification Sherloc (09022015). Collection method: clinical testing. Allele origin: germline.
Comment: This sequence change replaces valine, which is neutral and non-polar, with isoleucine, which is neutral and non-polar, at codon 237 of the NECAP1 protein (p.Val237Ile). This variant is not present in population databases (gnomAD no frequency). This variant has not been reported in the literature in individuals affected with NECAP1-related conditions. Algorithms developed to predict the effect of missense changes on protein structure and function output the following: SIFT: "Not Available"; PolyPhen-2: "Benign"; Align-GVGD: "Not Available". The isoleucine amino acid residue is found in multiple mammalian species, which suggests that this missense change does not adversely affect protein function. In summary, the available evidence is currently insufficient to determine the role of this variant in disease. Therefore, it has been classified as a Variant of Uncertain Significance.

NM_015509.4(NECAP1):c.709G>A (p.Val237Ile)

Gene: NECAP1 (NECAP endocytosis associated 1; plus strand). Cytogenetic location: 12p13.31.
Variant type: single nucleotide variant.
Coding change: c.709G>A on transcript NM_015509.4 (MANE Select); coding-DNA position 709, G replaced by A.
Protein change: p.Val237Ile; replaces valine 237 with isoleucine.
Molecular consequence: missense variant. On other transcripts: non-coding transcript variant (1).
Genome position (GRCh38, 1-based): chr12:8,095,633, G>A. VCF-style: chr12-8095633-G-A. GRCh37 (hg19) VCF-style: chr12-8248229-G-A.
Other names: short protein forms V237I.
Identifiers: ClinVar variation 1943020 (VCV001943020.2), dbSNP rs752918460, ClinGen allele CA383802380.